The following is an entry in ClinVar:

ClinVar aggregate classification (germline): Pathogenic (1 of 4 stars; one submission).

Submission:

GeneDx
Classification: Pathogenic. Last evaluated: 2016-11-01. Review status: criteria provided, single submitter. Criteria: GeneDx Variant Classification (06012015). Collection method: clinical testing. Allele origin: germline. Affected: yes.
Comment: The c.4_8delGCGGA mutation in the PURA gene has not been reported previously as a disease causing variant nor as a benign polymorphism, to our knowledge. The c.4_8delGCGGA mutation causes a frameshift starting with codon Alanine 2, changes this amino acid to a Proline residue and creates a premature Stop codon at position 197 of the new reading frame, denoted p.Ala2ProfsX197. This mutation is predicted to cause loss of normal protein function through protein truncation. The c.4_8delGCGGA mutation was not observed in approximately 1800 individuals of European and African American ancestry in the NHLBI Exome Sequencing Project, indicating it is not a common benign variant in these populations. We interpret c.4_8delGCGGA as a disease causing variant. This variant has been observed de novo with confirmed parentage.

NM_005859.5(PURA):c.4_8del (p.Ala2fs)

Gene: PURA (purine rich element binding protein A; plus strand). Cytogenetic location: 5q31.3.
Variant type: Deletion.
Coding change: c.4_8del on transcript NM_005859.5 (MANE Select); coding-DNA positions 4 to 8, 5 bases deleted (GCGGA; older notation c.4_8delGCGGA).
Protein change: p.Ala2fs; shifts the reading frame from alanine 2.
Molecular consequence: frameshift variant.
Genome position (GRCh38, 1-based): chr5:140,114,185-140,114,189, GCGGA deleted. VCF-style (leftmost placement, unchanged base first): chr5-140114184-GGCGGA-G. GRCh37 (hg19) VCF-style: chr5-139493769-GGCGGA-G.
Other names: short protein forms A2fs.
Identifiers: ClinVar variation 192344 (VCV000192344.2), dbSNP rs793888537, ClinGen allele CA302664.